The following is an entry in ClinVar:

ClinVar aggregate classification (germline): Likely benign (1 of 4 stars; one submission).

Allele frequency attached by ClinVar (database versions not stated): gnomAD exomes below 0.00001; gnomAD 0.00001; TOPMed 0.00001; ExAC 0.00002.
gnomAD v4.1: 8 of 1,613,170 alleles (0.0005%); highest among the groups gnomAD compares: South Asian, 0.0022%; no homozygotes.

Submission:

CeGaT Center for Human Genetics Tuebingen
Classification: Likely benign. Last evaluated: 2022-04-01. Review status: criteria provided, single submitter. Criteria: CeGaT Center For Human Genetics Tuebingen Variant Classification Criteria Version 2. Collection method: clinical testing. Allele origin: germline. Affected: yes. Observed: 1 variant allele.
Comment: ABCA13: BP4, BP7

NM_152701.5(ABCA13):c.1450T>C (p.Leu484=)

Genes: ABCA13 (ATP binding cassette subfamily A member 13; plus strand), LOC126860027 (CDK7 strongly-dependent group 2 enhancer GRCh37_chr7:48284398-48285597; plus strand). Cytogenetic location: 7p12.3.
Variant type: single nucleotide variant.
Coding change: c.1450T>C on transcript NM_152701.5 (MANE Select); coding-DNA position 1450, T replaced by C.
Protein change: p.Leu484=; no amino-acid change (leucine 484 retained).
Molecular consequence: synonymous variant.
Genome position (GRCh38, 1-based): chr7:48,245,571, T>C. VCF-style: chr7-48245571-T-C. GRCh37 (hg19) VCF-style: chr7-48285168-T-C.
Identifiers: ClinVar variation 2657466 (VCV002657466.24), dbSNP rs755480024, ClinGen allele CA4256425.